The following is an entry in ClinVar:

NM_002739.5(PRKCG):c.70_72delinsCCT (p.Ala24Pro)

Gene: PRKCG (protein kinase C gamma; plus strand). Cytogenetic location: 19q13.42.
Variant type: Indel.
Coding change: c.70_72delinsCCT on transcript NM_002739.5 (MANE Select); coding-DNA positions 70 to 72, GCC replaced by CCT.
Protein change: p.Ala24Pro; replaces alanine 24 with proline.
Molecular consequence: missense variant.
Genome position (GRCh38, 1-based): chr19:53,882,564-53,882,566, GCC replaced by CCT. VCF-style: chr19-53882564-GCC-CCT. GRCh37 (hg19) VCF-style: chr19-54385818-GCC-CCT.
Other names: c.70_72delinsCCT, p.Ala24Pro (NM_001316329.2); c.70_72delGCCinsCCT, p.Ala24Pro (NM_002739.3); short protein forms A24P.
Identifiers: ClinVar variation 2684342 (VCV002684342.1), dbSNP rs2514542990, ClinGen allele CA2697547258.

ClinVar aggregate classification (germline): Uncertain significance (1 of 4 stars; one submission).

Submission:

Athena Diagnostics
Classification: Uncertain significance. Last evaluated: 2023-06-14. Review status: criteria provided, single submitter. Criteria: Athena Diagnostics Criteria. Collection method: clinical testing. Allele origin: unknown.
Comment: Available data are insufficient to determine the clinical significance of the variant at this time. This variant has not been reported in large, multi-ethnic general populations. Computational tools predict that this variant is damaging.